The following is an entry in ClinVar:

NM_000501.4(ELN):c.1748-1G>A

Genes: ELN (elastin; plus strand), ELN-AS1 (ELN antisense RNA 1; minus strand). Cytogenetic location: 7q11.23.
Variant type: single nucleotide variant.
Coding change: c.1748-1G>A on transcript NM_000501.4 (MANE Select); the canonical splice acceptor site of the intron before coding-DNA position 1748, G replaced by A.
Molecular consequence: splice acceptor variant.
Genome position (GRCh38, 1-based): chr7:74,061,100, G>A. VCF-style: chr7-74061100-G-A. GRCh37 (hg19) VCF-style: chr7-73475430-G-A.
Other names: c.1763-1G>A (NM_001081754.3); c.1706-1G>A (NM_001081753.3); c.1934-1G>A (NM_001278939.2); c.1766-1G>A (NM_001278915.2); c.1748-1G>A (NM_001278912.2); c.1691-1G>A (NM_001081755.3); c.1604-1G>A (NM_001278916.2); c.1505-1G>A (NM_001278913.2); and 4 more.
Identifiers: ClinVar variation 4796639 (VCV004796639.2).

ClinVar aggregate classification (germline): Uncertain significance (1 of 4 stars; one submission).

Submission:

GeneDx
Classification: Uncertain significance. Last evaluated: 2026-09-21. Review status: criteria provided, single submitter. Criteria: GeneDx Variant Classification Process June 2021. Collection method: clinical testing. Allele origin: germline.
Comment: Not observed at significant frequency in large population cohorts (gnomAD); Canonical splice site variant with an unclear effect on protein function; Has not been previously published as pathogenic or benign to our knowledge